The following is an entry in ClinVar:

NM_005996.4(TBX3):c.2155C>A (p.Arg719Ser)

Gene: TBX3 (T-box transcription factor 3; minus strand). Cytogenetic location: 12q24.21.
Variant type: single nucleotide variant.
Coding change: c.2155C>A on transcript NM_005996.4 (MANE Select); coding-DNA position 2155, C replaced by A.
Protein change: p.Arg719Ser; replaces arginine 719 with serine.
Molecular consequence: missense variant.
Genome position (GRCh38, 1-based): chr12:114,671,858, G>T on the plus strand (C>A on the coding strand, the complement: TBX3 is on the minus strand). VCF-style: chr12-114671858-G-T. GRCh37 (hg19) VCF-style: chr12-115109663-G-T.
Other names: c.2215C>A, p.Arg739Ser (NM_016569.4); c.2215C>A (NM_016569.3); short protein forms R719S, R739S.
Identifiers: ClinVar variation 2529886 (VCV002529886.5), dbSNP rs770230836, ClinGen allele CA6809772.
Genomic context (GRCh38, chr12:114,671,858, plus strand): 5'-AGCCTGAACTGGACTGGAATGAAAAGACGTGTCTGGGACGGGTCTACGGGGACGCGCTGC[G>T]GGACCTGTCCGGCTTGGCTTCCAAGCCGCTAACCAACCGCTGGATGCTCTGCAGTTCGCT-3'
Protein context (NP_005987.3, residues 709-723): SGLEAKPDRS[Arg719Ser]SASP

ClinVar aggregate classification (germline): Uncertain significance. Review status: criteria provided, multiple submitters, no conflicts (2 of 4 stars). 3 submissions from 3 submitters: Uncertain significance (3). Last evaluated 2026-04-02.

Conditions:
TBX3-related disorder. Also called: TBX3-related condition.
Inborn genetic diseases. Identifiers: MedGen C0950123, MeSH D030342.
Ulnar-mammary syndrome (UMS). Also called: SCHINZEL SYNDROME; Ulnar-mammary syndrome of Pallister; PALLISTER ULNAR-MAMMARY SYNDROME. Identifiers: Orphanet 3138, MedGen C1866994, MONDO:0008411, OMIM 181450.

Allele frequency attached by ClinVar (database versions not stated): gnomAD 0.00002; TOPMed 0.00002; ExAC 0.00005.

Submissions (3):

PreventionGenetics, part of Exact Sciences
Classification: Uncertain significance for TBX3-related condition. Last evaluated: 2026-04-02. Review status: criteria provided, single submitter. Criteria: ACMG Guidelines, 2015. Collection method: clinical testing. Allele origin: germline.
Comment: The TBX3 c.2215C>A variant is predicted to result in the amino acid substitution p.Arg739Ser. To our knowledge, this variant has not been reported in the literature. This variant is reported in 0.0037% of alleles in individuals of European (non-Finnish) descent in gnomAD. At this time, the clinical significance of this variant is uncertain due to the absence of conclusive functional and genetic evidence.

Labcorp Genetics (formerly Invitae), Labcorp
Classification: Uncertain significance for Ulnar-mammary syndrome. Last evaluated: 2024-03-01. Review status: criteria provided, single submitter. Criteria: Invitae Variant Classification Sherloc (09022015). Collection method: clinical testing. Allele origin: germline.
Comment: This sequence change replaces arginine, which is basic and polar, with serine, which is neutral and polar, at codon 719 of the TBX3 protein (p.Arg719Ser). This variant is present in population databases (rs770230836, gnomAD 0.004%). This variant has not been reported in the literature in individuals affected with TBX3-related conditions. ClinVar contains an entry for this variant (Variation ID: 2529886). An algorithm developed to predict the effect of missense changes on protein structure and function (PolyPhen-2) suggests that this variant is likely to be tolerated. In summary, the available evidence is currently insufficient to determine the role of this variant in disease. Therefore, it has been classified as a Variant of Uncertain Significance.

Ambry Genetics
Classification: Uncertain significance for Inborn genetic diseases. Last evaluated: 2023-03-27. Review status: criteria provided, single submitter. Criteria: Ambry Variant Classification Scheme 2023. Collection method: clinical testing. Allele origin: germline.